The following is an entry in ClinVar:

ClinVar aggregate classification (germline): Benign/Likely benign. Review status: criteria provided, multiple submitters, no conflicts (2 of 4 stars). 18 submissions from 15 submitters: Benign (13); Likely benign (3). 2 of the submissions do not count toward it. Last evaluated 2026-06-01.

Conditions:
Cardiovascular phenotype. Identifiers: MedGen CN230736.
Dilated cardiomyopathy 1G (CMD1G). Identifiers: Orphanet 154, MedGen C1858763, MONDO:0011400, OMIM 604145.
Autosomal recessive limb-girdle muscular dystrophy type 2J (LGMDR10). Also called: Limb-girdle muscular dystrophy, type 2J; MUSCULAR DYSTROPHY, LIMB-GIRDLE, AUTOSOMAL RECESSIVE 10. Identifiers: Orphanet 140922, MedGen C1837342, MONDO:0012127, OMIM 608807.
Myopathy, myofibrillar, 9, with early respiratory failure (MFM9). Also called: Hereditary myopathy with early respiratory failure; Myopathy, distal, with early respiratory failure, autosomal dominant; EDSTROM MYOPATHY; MYOPATHY, PROXIMAL, WITH EARLY RESPIRATORY MUSCLE INVOLVEMENT. Identifiers: Orphanet 178464, Orphanet 34521, MedGen C1863599, MONDO:0011362, OMIM 603689.
Tibial muscular dystrophy (TMD). Also called: Udd Distal Myopathy – Tibial Muscular Dystrophy; Tibial muscular dystrophy, tardive; UDD MYOPATHY. Identifiers: Orphanet 609, MedGen C1838244, MONDO:0010870, OMIM 600334.
Early-onset myopathy with fatal cardiomyopathy (CMYO5). Also called: Salih Myopathy; CONGENITAL MYOPATHY 5 WITH CARDIOMYOPATHY. Identifiers: Orphanet 289377, MedGen C2673677, MONDO:0012714, OMIM 611705. Disease mechanism: loss of function.
Hypertrophic cardiomyopathy 9. Also called: Familial hypertrophic cardiomyopathy 9. Identifiers: MedGen C1861065, MONDO:0013412, OMIM 613765.
Cardiomyopathy (CMYO). Also called: Cardiomyopathies. Identifiers: Orphanet 167848, MedGen C0878544, MONDO:0004994, HP:0001638. Inheritance: Various modes of inheritance.

Allele frequency attached by ClinVar (database versions not stated): ExAC 0.00069; 1000 Genomes Project 0.00160; 1000 Genomes Project 30x 0.00203; gnomAD 0.00261; TOPMed 0.00272; ESP Exome Variant Server 0.00338.
gnomAD v4.1: 634 of 1,607,906 alleles (0.039%); highest among the groups gnomAD compares: African/African-American, 0.75%; 2 homozygotes.

Submissions (18):

CeGaT Center for Human Genetics Tuebingen
Classification: Likely benign. Last evaluated: 2026-06-01. Review status: criteria provided, single submitter. Criteria: CeGaT Center For Human Genetics Tuebingen Variant Classification Criteria Version 2. Collection method: clinical testing. Allele origin: germline. Affected: yes. Observed: 2 variant alleles.
Comment: TTN: BP4, BP7

Labcorp Genetics (formerly Invitae), Labcorp
Classification: Benign for Dilated cardiomyopathy 1G; Autosomal recessive limb-girdle muscular dystrophy type 2J. Last evaluated: 2026-02-01. Review status: criteria provided, single submitter. Criteria: Invitae Variant Classification Sherloc (09022015). Collection method: clinical testing. Allele origin: germline.

Molecular Diagnostic Laboratory for Inherited Cardiovascular Disease, Montreal Heart Institute
Classification: Benign. Last evaluated: 2025-04-09. Review status: criteria provided, single submitter. Criteria: ACMG Guidelines, 2015. Collection method: clinical testing. Allele origin: germline. Affected: no.

Blueprint Genetics
Classification: Likely benign. Last evaluated: 2024-11-13. Review status: criteria provided, single submitter. Criteria: ACMG Guidelines, 2015. Collection method: clinical testing. Allele origin: germline.

Fulgent Genetics
Classification: Likely benign for Tibial muscular dystrophy; Myopathy, myofibrillar, 9, with early respiratory failure; Dilated cardiomyopathy 1G; Autosomal recessive limb-girdle muscular dystrophy type 2J; Early-onset myopathy with fatal cardiomyopathy; Hypertrophic cardiomyopathy 9. Last evaluated: 2021-11-26. Review status: criteria provided, single submitter. Criteria: ACMG Guidelines, 2015. Collection method: clinical testing. Allele origin: unknown.

Genome-Nilou Lab
Classification: Benign for Autosomal recessive limb-girdle muscular dystrophy type 2J. Last evaluated: 2021-09-10. Review status: criteria provided, single submitter. Criteria: ACMG Guidelines, 2015. Collection method: clinical testing. Allele origin: germline. Affected: no.

Genome-Nilou Lab
Classification: Benign for Myopathy, myofibrillar, 9, with early respiratory failure. Last evaluated: 2021-09-10. Review status: criteria provided, single submitter. Criteria: ACMG Guidelines, 2015. Collection method: clinical testing. Allele origin: germline. Affected: no.

Genome-Nilou Lab
Classification: Benign for Early-onset myopathy with fatal cardiomyopathy. Last evaluated: 2021-09-10. Review status: criteria provided, single submitter. Criteria: ACMG Guidelines, 2015. Collection method: clinical testing. Allele origin: germline. Affected: no.

Genome-Nilou Lab
Classification: Benign for Tibial muscular dystrophy. Last evaluated: 2021-09-10. Review status: criteria provided, single submitter. Criteria: ACMG Guidelines, 2015. Collection method: clinical testing. Allele origin: germline. Affected: no.

Women's Health and Genetics/Laboratory Corporation of America, LabCorp
Classification: Benign. Last evaluated: 2020-08-08. Review status: criteria provided, single submitter. Criteria: LabCorp Variant Classification Summary - May 2015. Collection method: clinical testing. Allele origin: germline.

Ambry Genetics
Classification: Benign for Cardiovascular phenotype. Last evaluated: 2019-03-29. Review status: criteria provided, single submitter. Criteria: Ambry Variant Classification Scheme 2023. Collection method: clinical testing. Allele origin: germline.

Athena Diagnostics
Classification: Benign. Last evaluated: 2017-02-07. Review status: criteria provided, single submitter. Criteria: Athena Diagnostics Criteria. Collection method: clinical testing. Allele origin: germline.

CHEO Genetics Diagnostic Laboratory, Children's Hospital of Eastern Ontario
Classification: Benign for Cardiomyopathy. Last evaluated: 2016-06-14. Review status: criteria provided, single submitter. Criteria: ACMG Guidelines, 2015. Collection method: clinical testing. Allele origin: germline. Study: Canadian Open Genetics Repository.

Eurofins Ntd Llc (ga)
Classification: Benign. Last evaluated: 2015-05-19. Review status: criteria provided, single submitter. Criteria: EGL Classification Definitions 2015. Collection method: clinical testing. Allele origin: germline. Observed: 1 variant allele, 1 heterozygote.

GeneDx
Classification: Benign. Last evaluated: 2012-11-28. Review status: criteria provided, single submitter. Criteria: GeneDx Variant Classification (06012015). Collection method: clinical testing. Allele origin: germline. Affected: yes.
Comment: This variant is considered likely benign or benign based on one or more of the following criteria: it is a conservative change, it occurs at a poorly conserved position in the protein, it is predicted to be benign by multiple in silico algorithms, and/or has population frequency not consistent with disease.

Laboratory for Molecular Medicine, Mass General Brigham Personalized Medicine
Classification: Benign. Last evaluated: 2012-03-19. Review status: criteria provided, single submitter. Criteria: LMM Criteria. Collection method: clinical testing. Allele origin: germline. Observed: 5 variant alleles.
Comment: p.Asp1796Asp in Exon 28 of TTN: This variant is not expected to have clinical si gnificance because it does not alter an amino acid residue, is not located withi n the splice consensus sequence and has been identified in 1.1% (40/3738) of Afr ican American chromosomes from a broad population by the NHLBI Exome Sequencing Project (dbSNP rs72647878).

Clinical Genetics DNA and cytogenetics Diagnostics Lab, Erasmus MC, Erasmus Medical Center
Classification: Benign. Review status: no assertion criteria provided. Collection method: clinical testing. Allele origin: germline. Affected: yes. Study: VKGL Data-share Consensus. Not counted in ClinVar's aggregate classification.

Clinical Genetics, Academic Medical Center
Classification: Benign. Review status: no assertion criteria provided. Collection method: clinical testing. Allele origin: germline. Affected: yes. Study: VKGL Data-share Consensus. Not counted in ClinVar's aggregate classification.

NM_001267550.2(TTN):c.5388T>C (p.Asp1796=)

Gene: TTN (titin; minus strand). Cytogenetic location: 2q31.2.
Variant type: single nucleotide variant.
Coding change: c.5388T>C on transcript NM_001267550.2 (MANE Select); coding-DNA position 5388, T replaced by C.
Protein change: p.Asp1796=; no amino-acid change (aspartic acid 1796 retained).
Molecular consequence: synonymous variant.
Genome position (GRCh38, 1-based): chr2:178,776,476, A>G on the plus strand (T>C on the coding strand, the complement: TTN is on the minus strand). VCF-style: chr2-178776476-A-G. GRCh37 (hg19) VCF-style: chr2-179641203-A-G.
Other names: p.D1796D:GAT>GAC; c.5388T>C, p.Asp1796= (NM_001256850.1, NM_133378.4, NM_133379.5); c.5250T>C, p.Asp1750= (NM_003319.4, NM_133432.3, NM_133437.4).
Identifiers: ClinVar variation 47174 (VCV000047174.37), dbSNP rs72647878, ClinGen allele CA283541.